The following is an entry in ClinVar:

NM_001130009.3(GEN1):c.2443T>C (p.Tyr815His)

Gene: GEN1 (GEN1 structure-specific endonuclease; plus strand). Cytogenetic location: 2p24.2.
Variant type: single nucleotide variant.
Coding change: c.2443T>C on transcript NM_001130009.3 (MANE Select); coding-DNA position 2443, T replaced by C.
Protein change: p.Tyr815His; replaces tyrosine 815 with histidine.
Molecular consequence: missense variant.
Genome position (GRCh38, 1-based): chr2:17,781,655, T>C. VCF-style: chr2-17781655-T-C. GRCh37 (hg19) VCF-style: chr2-17962922-T-C.
Other names: c.2443T>C, p.Tyr815His (NM_182625.5); short protein forms Y815H.
Identifiers: ClinVar variation 5022288 (VCV005022288.1).

ClinVar aggregate classification (germline): Uncertain significance (1 of 4 stars; one submission).

Submission:

Ambry Genetics
Classification: Uncertain significance. Last evaluated: 2026-06-28. Review status: criteria provided, single submitter. Criteria: Ambry Variant Classification Scheme 2023. Collection method: clinical testing. Allele origin: germline.
Comment: The p.Y815H variant (also known as c.2443T>C), located in coding exon 13 of the GEN1 gene, results from a T to C substitution at nucleotide position 2443. The tyrosine at codon 815 is replaced by histidine, an amino acid with similar properties. This amino acid position is conserved. In addition, this alteration is predicted to be tolerated by in silico analysis. Based on the available evidence, the clinical significance of this variant remains unclear.